The following is an entry in ClinVar:

NM_007294.4(BRCA1):c.5474G>A (p.Gly1825Glu)

Gene: BRCA1 (BRCA1 DNA repair associated; minus strand). Cytogenetic location: 17q21.31.
Variant type: single nucleotide variant.
Coding change: c.5474G>A on transcript NM_007294.4 (MANE Select); coding-DNA position 5474, G replaced by A.
Protein change: p.Gly1825Glu; replaces glycine 1825 with glutamic acid.
Molecular consequence: missense variant. On other transcripts: nonsense (17), non-coding transcript variant (1).
Genome position (GRCh38, 1-based): chr17:43,045,796, C>T on the plus strand (G>A on the coding strand, the complement: BRCA1 is on the minus strand). VCF-style: chr17-43045796-C-T. GRCh37 (hg19) VCF-style: chr17-41197813-C-T.
Other names: c.5351G>A, p.Gly1784Glu (NM_001407666.1, NM_001407667.1, NM_001407668.1 and 3 more transcripts); c.5348G>A, p.Gly1783Glu (NM_001407670.1, NM_001407671.1, NM_001407672.1 and 8 more transcripts); c.5345G>A, p.Gly1782Glu (NM_001407685.1, NM_001407686.1, NM_001407687.1 and 6 more transcripts); c.5342G>A, p.Gly1781Glu (NM_001407690.1, NM_001407691.1); c.5333G>A, p.Gly1778Glu (NM_001407692.1, NM_001407694.1, NM_001407695.1 and 12 more transcripts); c.5330G>A, p.Gly1777Glu (NM_001407732.1, NM_001407733.1, NM_001407734.1 and 18 more transcripts); c.5327G>A, p.Gly1776Glu (NM_001407838.1, NM_001407839.1, NM_001407841.1 and 12 more transcripts); c.5400G>A, p.Trp1800Ter (NM_001407854.1); and 83 more; short protein forms G1778E, G1846E, G721E, G1825E, W696*, G1656E, G1671E, G1697E.
Identifiers: ClinVar variation 868569 (VCV000868569.3), dbSNP rs2050888423, ClinGen allele CA10590384.

Conditions:
Breast-ovarian cancer, familial, susceptibility to, 1 (BROVCA1). Also called: BRCA1 Hereditary Breast and Ovarian Cancer; OVARIAN CANCER, SUSCEPTIBILITY TO. Identifiers: Orphanet 145, MedGen C2676676, MONDO:0011450, OMIM 604370. Disease mechanism: loss of function.

Submission:

Brotman Baty Institute, University of Washington
No classification provided (evidence only). Condition: Breast-ovarian cancer, familial 1. Review status: no classification provided. Collection method: in vitro. Allele origin: not applicable. Functional consequence: functionally_normal.
ClinVar note: "not provided" was previously submitted as the classification for the variant. However, the classification appeared to be based only on an observation of functional data so it was converted to no classification on 2025-07-30.